The following is an entry in ClinVar:

ClinVar aggregate classification (germline): Pathogenic (1 of 4 stars; one submission).

Conditions:
Autosomal dominant intellectual disability-craniofacial anomalies-cardiac defects syndrome (ARTHS). Also called: Arboleda-Tham syndrome; Mental retardation, autosomal dominant 32; KAT6A syndrome. Identifiers: Orphanet 457193, MedGen C4225396, MONDO:0014558, OMIM 616268.

Submission:

Rady Children's Institute for Genomic Medicine, Rady Children's Hospital San Diego
Classification: Pathogenic for MENTAL RETARDATION, AUTOSOMAL DOMINANT 32. Last evaluated: 2019-03-01. Review status: criteria provided, single submitter. Criteria: ACMG Guidelines, 2015. Collection method: clinical testing. Allele origin: germline. Affected: yes. Observed: 1 variant allele.
Comment: This variant has not been previously reported or functionally characterized in the literature to our knowledge. It is absent from the ExAC and gnomAD population databases and thus is presumed to be rare. Multiple splice prediction tools suggest this variant is likely to interfere with normal splicing. Analysis of the parental samples was negative for the variant, indicating this variant likely occurred as a de novo event. Based on the available evidence, the c.1903-5_1903-2del variant is classified as pathogenic.

NM_006766.5(KAT6A):c.1903-5_1903-2del

Gene: KAT6A (lysine acetyltransferase 6A; minus strand). Cytogenetic location: 8p11.21.
Variant type: Deletion.
Coding change: c.1903-5_1903-2del on transcript NM_006766.5 (MANE Select); 5 bases into the intron before coding-DNA position 1903 through the canonical splice acceptor site of the intron before coding-DNA position 1903, 4 bases deleted (ACCA; older notation c.1903-5_1903-2delACCA).
Molecular consequence: splice acceptor variant.
Genome position (GRCh38, 1-based): chr8:41,946,686-41,946,689, TGGT deleted on the plus strand (ACCA on the coding strand, the reverse complement: KAT6A is on the minus strand). VCF-style (leftmost placement, unchanged base first): chr8-41946685-CTGGT-C. GRCh37 (hg19) VCF-style: chr8-41804203-CTGGT-C.
Other names: c.1903-5_1903-2del (NM_001305878.2).
Identifiers: ClinVar variation 692079 (VCV000692079.1), dbSNP rs1587727050, ClinGen allele CA915945671.